The following is an entry in ClinVar:

ClinVar aggregate classification (germline): Uncertain significance (1 of 4 stars; one submission).

gnomAD v4.1: 3 of 1,613,862 alleles (0.00019%); highest among the groups gnomAD compares: African/African-American, 0.0027%; no homozygotes.

Submission:

Labcorp Genetics (formerly Invitae), Labcorp
Classification: Uncertain significance. Last evaluated: 2025-04-21. Review status: criteria provided, single submitter. Criteria: Invitae Variant Classification Sherloc (09022015). Collection method: clinical testing. Allele origin: germline.
Comment: This sequence change replaces serine, which is neutral and polar, with arginine, which is basic and polar, at codon 9 of the GABRB1 protein (p.Ser9Arg). This variant is present in population databases (rs560003460, gnomAD 0.007%). This variant has not been reported in the literature in individuals affected with GABRB1-related conditions. ClinVar contains an entry for this variant (Variation ID: 3669652). An algorithm developed to predict the effect of missense changes on protein structure and function (PolyPhen-2) suggests that this variant is likely to be tolerated. In summary, the available evidence is currently insufficient to determine the role of this variant in disease. Therefore, it has been classified as a Variant of Uncertain Significance.

NM_000812.4(GABRB1):c.25A>C (p.Ser9Arg)

Gene: GABRB1 (gamma-aminobutyric acid type A receptor subunit beta1; plus strand). Cytogenetic location: 4p12.
Variant type: single nucleotide variant.
Coding change: c.25A>C on transcript NM_000812.4 (MANE Select); coding-DNA position 25, A replaced by C.
Protein change: p.Ser9Arg; replaces serine 9 with arginine.
Molecular consequence: missense variant.
Genome position (GRCh38, 1-based): chr4:47,031,676, A>C. VCF-style: chr4-47031676-A-C. GRCh37 (hg19) VCF-style: chr4-47033693-A-C.
Other names: short protein forms S9R.
Identifiers: ClinVar variation 3669652 (VCV003669652.2).